The following is an entry in ClinVar:

ClinVar aggregate classification (germline): Uncertain significance (1 of 4 stars; one submission).

Submission:

Labcorp Genetics (formerly Invitae), Labcorp
Classification: Uncertain significance. Last evaluated: 2022-03-04. Review status: criteria provided, single submitter. Criteria: Invitae Variant Classification Sherloc (09022015). Collection method: clinical testing. Allele origin: germline.
Comment: This sequence change replaces glutamic acid, which is acidic and polar, with valine, which is neutral and non-polar, at codon 689 of the CYFIP2 protein (p.Glu689Val). This variant is not present in population databases (gnomAD no frequency). This variant has not been reported in the literature in individuals affected with CYFIP2-related conditions. Algorithms developed to predict the effect of missense changes on protein structure and function are either unavailable or do not agree on the potential impact of this missense change (SIFT: "Deleterious"; PolyPhen-2: "Not Available"; Align-GVGD: "Class C0"). In summary, the available evidence is currently insufficient to determine the role of this variant in disease. Therefore, it has been classified as a Variant of Uncertain Significance.

NM_001037333.3(CYFIP2):c.2066A>T (p.Glu689Val)

Gene: CYFIP2 (cytoplasmic FMR1 interacting protein 2; plus strand). Cytogenetic location: 5q33.3.
Variant type: single nucleotide variant.
Coding change: c.2066A>T on transcript NM_001037333.3 (MANE Select); coding-DNA position 2066, A replaced by T.
Protein change: p.Glu689Val; replaces glutamic acid 689 with valine.
Molecular consequence: missense variant.
Genome position (GRCh38, 1-based): chr5:157,326,254, A>T. VCF-style: chr5-157326254-A-T. GRCh37 (hg19) VCF-style: chr5-156753262-A-T.
Other names: c.1988A>T, p.Glu663Val (NM_001291721.2); c.2141A>T, p.Glu714Val (NM_001291722.2); c.2066A>T, p.Glu689Val (NM_014376.4); short protein forms E689V, E663V, E714V.
Identifiers: ClinVar variation 2105866 (VCV002105866.4), dbSNP rs1761011834, ClinGen allele CA361970613.